The following is an entry in ClinVar:

ClinVar aggregate classification (germline): Uncertain significance (1 of 4 stars; one submission).

Allele frequency attached by ClinVar (database versions not stated): gnomAD exomes below 0.00001; TOPMed below 0.00001; ExAC 0.00001.
gnomAD v4.1: 4 of 1,613,102 alleles (0.00025%); highest among the groups gnomAD compares: Non-Finnish European, 0.00034%; no homozygotes.

Submission:

Labcorp Genetics (formerly Invitae), Labcorp
Classification: Uncertain significance. Last evaluated: 2022-08-30. Review status: criteria provided, single submitter. Criteria: Invitae Variant Classification Sherloc (09022015). Collection method: clinical testing. Allele origin: germline.
Comment: In summary, the available evidence is currently insufficient to determine the role of this variant in disease. Therefore, it has been classified as a Variant of Uncertain Significance. Advanced modeling of protein sequence and biophysical properties (such as structural, functional, and spatial information, amino acid conservation, physicochemical variation, residue mobility, and thermodynamic stability) performed at Invitae indicates that this missense variant is not expected to disrupt CACNA1G protein function. This variant has not been reported in the literature in individuals affected with CACNA1G-related conditions. This variant is present in population databases (rs773370279, gnomAD 0.002%). This sequence change replaces aspartic acid, which is acidic and polar, with asparagine, which is neutral and polar, at codon 2242 of the CACNA1G protein (p.Asp2242Asn).

NM_018896.5(CACNA1G):c.6724G>A (p.Asp2242Asn)

Gene: CACNA1G (calcium voltage-gated channel subunit alpha1 G; plus strand). Cytogenetic location: 17q21.33.
Variant type: single nucleotide variant.
Coding change: c.6724G>A on transcript NM_018896.5 (MANE Select); coding-DNA position 6724, G replaced by A.
Protein change: p.Asp2242Asn; replaces aspartic acid 2242 with asparagine.
Molecular consequence: missense variant. On other transcripts: non-coding transcript variant (5).
Genome position (GRCh38, 1-based): chr17:50,626,341, G>A. VCF-style: chr17-50626341-G-A. GRCh37 (hg19) VCF-style: chr17-48703702-G-A.
Other names: c.6535G>A, p.Asp2179Asn (NM_001256324.2); c.6466G>A, p.Asp2156Asn (NM_001256325.2); c.6454G>A, p.Asp2152Asn (NM_001256326.2); c.6424G>A, p.Asp2142Asn (NM_001256327.2); c.6370G>A, p.Asp2124Asn (NM_001256328.2); c.6343G>A, p.Asp2115Asn (NM_001256329.2, NM_198387.3); c.6310G>A, p.Asp2104Asn (NM_001256330.2); c.6289G>A, p.Asp2097Asn (NM_001256331.2); and 18 more; short protein forms D2104N, D2115N, D2131N, D2152N, D2163N, D2179N, D2231N, D2242N.
Identifiers: ClinVar variation 1969842 (VCV001969842.5), dbSNP rs773370279, ClinGen allele CA8653717.